The following is an entry in ClinVar:

NM_000352.6(ABCC8):c.4432G>C (p.Gly1478Arg)

Gene: ABCC8 (ATP binding cassette subfamily C member 8; minus strand). Cytogenetic location: 11p15.1.
Variant type: single nucleotide variant.
Coding change: c.4432G>C on transcript NM_000352.6 (MANE Select); coding-DNA position 4432, G replaced by C.
Protein change: p.Gly1478Arg; replaces glycine 1478 with arginine.
Molecular consequence: missense variant. On other transcripts: non-coding transcript variant (1).
Genome position (GRCh38, 1-based): chr11:17,394,379, C>G on the plus strand (G>C on the coding strand, the complement: ABCC8 is on the minus strand). VCF-style: chr11-17394379-C-G. GRCh37 (hg19) VCF-style: chr11-17415926-C-G.
Other names: c.4435G>C, p.Gly1479Arg (NM_001287174.3); c.4498G>C, p.Gly1500Arg (NM_001351295.2); c.4432G>C, p.Gly1478Arg (NM_001351296.2); c.4429G>C, p.Gly1477Arg (NM_001351297.2); short protein forms G1477R, G1478R, G1479R, G1500R.
Identifiers: ClinVar variation 3233553 (VCV003233553.3), dbSNP rs72559715, ClinGen allele CA379783645.

ClinVar aggregate classification (germline): Pathogenic (1 of 4 stars; one submission).

Conditions:
Familial hyperinsulinism. Also called: Congenital hyperinsulinism. Identifiers: Orphanet 276525, MedGen C3888018, MONDO:0017182. Disease mechanism: loss of function.

Submission:

Women's Health and Genetics/Laboratory Corporation of America, LabCorp
Classification: Pathogenic for Familial hyperinsulinism. Last evaluated: 2024-03-08. Review status: criteria provided, single submitter. Criteria: LabCorp Variant Classification Summary - May 2015. Collection method: clinical testing. Allele origin: germline.
Comment: Variant summary: ABCC8 c.4432G>C (p.Gly1478Arg) results in a non-conservative amino acid change located in the ABC transporter-like, ATP-binding domain (IPR003439) of the encoded protein sequence. Five of five in-silico tools predict a damaging effect of the variant on protein function. The variant was absent in 251454 control chromosomes (gnomAD). p.Gly1478Arg has been reported in the literature in multiple individuals affected with Congenital Hyperinsulinism or early onset diabetes (e.g. Pinney_2008, Delvecchio_2017). These data indicate that the variant is very likely to be associated with disease. The following publications have been ascertained in the context of this evaluation (PMID: 18596924, 28323911). No submitters have cited clinical-significance assessments for c.4432G>C to ClinVar, although another nucleotide change resulting in the same missense alteration (c.4432G>A/p.Gly1478Arg, Variation ID: 434045) is classified as pathogenic by our lab. Based on the evidence outlined above, the variant was classified as pathogenic.

Literature cited by the submitters: PubMed 18596924; PubMed 28323911.